The following is an entry in ClinVar:

NM_033310.3(KCNK4):c.1122_1123insG (p.Arg375fs)

Genes: KCNK4 (potassium two pore domain channel subfamily K member 4; plus strand), KCNK4-CATSPERZ (KCNK4-CATSPERZ readthrough (NMD candidate); plus strand). Cytogenetic location: 11q13.1.
Variant type: Insertion.
Coding change: c.1122_1123insG on transcript NM_033310.3 (MANE Select); coding-DNA positions 1122 to 1123, G inserted.
Protein change: p.Arg375fs; shifts the reading frame from arginine 375.
Molecular consequence: frameshift variant. On other transcripts: non-coding transcript variant (3).
Genome position: GRCh38 VCF-style: chr11-64299666-C-CG. GRCh37 (hg19) VCF-style: chr11-64067138-C-CG.
Other names: c.1122_1123insG, p.Arg375fs (NM_001317090.2); short protein forms R375fs.
Identifiers: ClinVar variation 4538006 (VCV004538006.1).
Genomic context (GRCh38, chr11:64,299,666, plus strand): 5'-GAGCGAGCGCGGCTGCCCGCTGCCCCGCGCGCCGAGAGGTCGCCGCCGCCCAAATCCCCC[C>CG]AGGAAGCCCGTGCGGCCCCGCGGCCCCGGGCGTCCCCGAGACAAAGGCGTGCCGGTGTAG-3'

ClinVar aggregate classification (germline): Uncertain significance (1 of 4 stars; one submission).

Submission:

GeneDx
Classification: Uncertain significance. Last evaluated: 2025-06-10. Review status: criteria provided, single submitter. Criteria: GeneDx Variant Classification Process June 2021. Collection method: clinical testing. Allele origin: germline. Affected: yes.
Comment: Not observed at significant frequency in large population cohorts (gnomAD); Has not been previously published as pathogenic or benign to our knowledge; Frameshift variant predicted to result in abnormal protein length as the last 19 amino acid(s) are replaced with 52 different amino acid(s) with an unclear effect on protein function